The following is an entry in ClinVar:

ClinVar aggregate classification (germline): Conflicting classifications of pathogenicity. Review status: criteria provided, conflicting classifications (1 of 4 stars). 4 submissions from 4 submitters: Uncertain significance (3); Likely benign (1). Last evaluated 2025-05-06.

Conditions:
CHARGE syndrome (CHARGE). Also called: Hittner Hirsch Kreh syndrome; Coloboma, heart anomaly, choanal atresia, retardation, genital and ear anomalies; CHARGE association; Hall-Hittner syndrome; CHARGE ASSOCIATION--COLOBOMA, HEART ANOMALY, CHOANAL ATRESIA, RETARDATION, GENITAL AND EAR ANOMALIES. Identifiers: Orphanet 138, MedGen C0265354, MONDO:0008965.
Hypogonadotropic hypogonadism 5 with or without anosmia (KAL5). Also called: CHD7-Related GnRH Deficiency (Kallmann Syndrome 5); HYPOGONADOTROPIC HYPOGONADISM 5 WITH ANOSMIA; HYPOGONADOTROPHIC HYPOGONADISM 5 WITHOUT ANOSMIA. Identifiers: Orphanet 478, MedGen C3552553, MONDO:0012880, OMIM 612370. Disease mechanism: loss of function.
Inborn genetic diseases. Identifiers: MedGen C0950123, MeSH D030342.

Allele frequency attached by ClinVar (database versions not stated): gnomAD exomes 0.00002; ExAC 0.00003; TOPMed 0.00003; gnomAD 0.00004; ESP Exome Variant Server 0.00008.
gnomAD v4.1: 31 of 1,606,754 alleles (0.0019%); highest among the groups gnomAD compares: Non-Finnish European, 0.0026%; no homozygotes.

Submissions (4):

Labcorp Genetics (formerly Invitae), Labcorp
Classification: Uncertain significance for CHARGE syndrome. Last evaluated: 2025-05-06. Review status: criteria provided, single submitter. Criteria: Invitae Variant Classification Sherloc (09022015). Collection method: clinical testing. Allele origin: germline.
Comment: This sequence change replaces serine, which is neutral and polar, with phenylalanine, which is neutral and non-polar, at codon 1626 of the CHD7 protein (p.Ser1626Phe). This variant is present in population databases (rs369608927, gnomAD 0.006%). This variant has not been reported in the literature in individuals affected with CHD7-related conditions. ClinVar contains an entry for this variant (Variation ID: 282561). Invitae Evidence Modeling of protein sequence and biophysical properties (such as structural, functional, and spatial information, amino acid conservation, physicochemical variation, residue mobility, and thermodynamic stability) has been performed for this missense variant. However, the output from this modeling did not meet the statistical confidence thresholds required to predict the impact of this variant on CHD7 protein function. In summary, the available evidence is currently insufficient to determine the role of this variant in disease. Therefore, it has been classified as a Variant of Uncertain Significance.

Ambry Genetics
Classification: Likely benign for Inborn genetic diseases. Last evaluated: 2024-09-03. Review status: criteria provided, single submitter. Criteria: Ambry Variant Classification Scheme 2023. Collection method: clinical testing. Allele origin: germline.

Fulgent Genetics
Classification: Uncertain significance for CHD7-related CHARGE syndrome; Hypogonadotropic hypogonadism 5 with or without anosmia. Last evaluated: 2022-03-30. Review status: criteria provided, single submitter. Criteria: ACMG Guidelines, 2015. Collection method: clinical testing. Allele origin: unknown.

Eurofins Ntd Llc (ga)
Classification: Uncertain significance. Last evaluated: 2015-08-20. Review status: criteria provided, single submitter. Criteria: EGL Classification Definitions 2015. Collection method: clinical testing. Allele origin: germline. Observed: 1 variant allele, 1 heterozygote.

NM_017780.4(CHD7):c.4877C>T (p.Ser1626Phe)

Gene: CHD7 (chromodomain helicase DNA binding protein 7; plus strand). Cytogenetic location: 8q12.2.
Variant type: single nucleotide variant.
Coding change: c.4877C>T on transcript NM_017780.4 (MANE Select); coding-DNA position 4877, C replaced by T.
Protein change: p.Ser1626Phe; replaces serine 1626 with phenylalanine.
Molecular consequence: missense variant. On other transcripts: intron variant (1).
Genome position (GRCh38, 1-based): chr8:60,844,890, C>T. VCF-style: chr8-60844890-C-T. GRCh37 (hg19) VCF-style: chr8-61757449-C-T.
Other names: c.1717-17339C>T (NM_001316690.1); short protein forms S1626F.
Identifiers: ClinVar variation 282561 (VCV000282561.21), dbSNP rs369608927, ClinGen allele CA4760224.